The following is an entry in ClinVar:

NM_001378454.1(ALMS1):c.4835C>A (p.Ala1612Glu)

Gene: ALMS1 (ALMS1 centrosome and basal body associated protein; plus strand). Cytogenetic location: 2p13.1.
Variant type: single nucleotide variant.
Coding change: c.4835C>A on transcript NM_001378454.1 (MANE Select); coding-DNA position 4835, C replaced by A.
Protein change: p.Ala1612Glu; replaces alanine 1612 with glutamic acid.
Molecular consequence: missense variant.
Genome position (GRCh38, 1-based): chr2:73,451,362, C>A. VCF-style: chr2-73451362-C-A. GRCh37 (hg19) VCF-style: chr2-73678489-C-A.
Other names: c.4838C>A, p.Ala1613Glu (NM_015120.4); short protein forms A1612E, A1613E.
Identifiers: ClinVar variation 3629039 (VCV003629039.2).
Genomic context (GRCh38, chr2:73,451,362, plus strand): 5'-AAGAGGCTCTGAAAGTTTCCATTGTTTCTGGACCTACTGAAAAAAAGACTGACATACCAG[C>A]AGGACCTTTAGGTTCCAGTGCACTTGGAGAGAAGCCCATTACTTTCTACCGGCAGGCTCT-3'
Protein context (NP_001365383.1, residues 1602-1622): GPTEKKTDIP[Ala1612Glu]GPLGSSALGE

ClinVar aggregate classification (germline): Uncertain significance (1 of 4 stars; one submission).

Conditions:
Alstrom syndrome (ALMS). Identifiers: Orphanet 64, MedGen C0268425, MONDO:0008763, OMIM 203800.

Submission:

Labcorp Genetics (formerly Invitae), Labcorp
Classification: Uncertain significance for Alstrom syndrome. Last evaluated: 2024-12-17. Review status: criteria provided, single submitter. Criteria: Invitae Variant Classification Sherloc (09022015). Collection method: clinical testing. Allele origin: germline.
Comment: This sequence change replaces alanine, which is neutral and non-polar, with glutamic acid, which is acidic and polar, at codon 1613 of the ALMS1 protein (p.Ala1613Glu). This variant is not present in population databases (gnomAD no frequency). This variant has not been reported in the literature in individuals affected with ALMS1-related conditions. Experimental studies and prediction algorithms are not available or were not evaluated, and the functional significance of this variant is currently unknown. In summary, the available evidence is currently insufficient to determine the role of this variant in disease. Therefore, it has been classified as a Variant of Uncertain Significance.